The following is an entry in ClinVar:

ClinVar aggregate classification (germline): Uncertain significance. Review status: criteria provided, multiple submitters, no conflicts (2 of 4 stars). 2 submissions from 2 submitters: Uncertain significance (2). Last evaluated 2025-08-03.

Conditions:
Hereditary cancer-predisposing syndrome. Also called: Hereditary Cancer Syndrome; Tumor predisposition; Hereditary neoplastic syndrome; Neoplastic Syndromes, Hereditary. Identifiers: Orphanet 140162, MedGen C0027672, MeSH D009386, MONDO:0015356.

Allele frequency attached by ClinVar (database versions not stated): TOPMed 0.00001.

Submissions (2):

Labcorp Genetics (formerly Invitae), Labcorp
Classification: Uncertain significance. Last evaluated: 2025-08-03. Review status: criteria provided, single submitter. Criteria: Invitae Variant Classification Sherloc (09022015). Collection method: clinical testing. Allele origin: germline.
Comment: This sequence change replaces leucine, which is neutral and non-polar, with serine, which is neutral and polar, at codon 164 of the HOXB13 protein (p.Leu164Ser). This variant is not present in population databases (gnomAD no frequency). This variant has not been reported in the literature in individuals affected with HOXB13-related conditions. ClinVar contains an entry for this variant (Variation ID: 1045313). Invitae Evidence Modeling of protein sequence and biophysical properties (such as structural, functional, and spatial information, amino acid conservation, physicochemical variation, residue mobility, and thermodynamic stability) indicates that this missense variant is not expected to disrupt HOXB13 protein function with a negative predictive value of 80%. In summary, the available evidence is currently insufficient to determine the role of this variant in disease. Therefore, it has been classified as a Variant of Uncertain Significance.

Ambry Genetics
Classification: Uncertain significance for Hereditary cancer-predisposing syndrome. Last evaluated: 2025-05-08. Review status: criteria provided, single submitter. Criteria: Ambry Variant Classification Scheme 2023. Collection method: clinical testing. Allele origin: germline.
Comment: The p.L164S variant (also known as c.491T>C), located in coding exon 1 of the HOXB13 gene, results from a T to C substitution at nucleotide position 491. The leucine at codon 164 is replaced by serine, an amino acid with dissimilar properties. This amino acid position is conserved. In addition, this alteration is predicted to be deleterious by in silico analysis. Since supporting evidence is limited at this time, the clinical significance of this alteration remains unclear.

NM_006361.6(HOXB13):c.491T>C (p.Leu164Ser)

Gene: HOXB13 (homeobox B13; minus strand). Cytogenetic location: 17q21.32.
Variant type: single nucleotide variant.
Coding change: c.491T>C on transcript NM_006361.6 (MANE Select); coding-DNA position 491, T replaced by C.
Protein change: p.Leu164Ser; replaces leucine 164 with serine.
Molecular consequence: missense variant.
Genome position (GRCh38, 1-based): chr17:48,728,103, A>G on the plus strand (T>C on the coding strand, the complement: HOXB13 is on the minus strand). VCF-style: chr17-48728103-A-G. GRCh37 (hg19) VCF-style: chr17-46805465-A-G.
Other names: c.491T>C (NM_006361.5); short protein forms L164S.
Identifiers: ClinVar variation 1045313 (VCV001045313.11), dbSNP rs2038232215, ClinGen allele CA400107346.